The following is an entry in ClinVar:

NM_001297.5(CNGB1):c.2660C>A (p.Thr887Asn)

Gene: CNGB1 (cyclic nucleotide gated channel subunit beta 1; minus strand). Cytogenetic location: 16q21.
Variant type: single nucleotide variant.
Coding change: c.2660C>A on transcript NM_001297.5 (MANE Select); coding-DNA position 2660, C replaced by A.
Protein change: p.Thr887Asn; replaces threonine 887 with asparagine.
Molecular consequence: missense variant.
Genome position (GRCh38, 1-based): chr16:57,903,956, G>T on the plus strand (C>A on the coding strand, the complement: CNGB1 is on the minus strand). VCF-style: chr16-57903956-G-T. GRCh37 (hg19) VCF-style: chr16-57937860-G-T.
Other names: c.2642C>A, p.Thr881Asn (NM_001286130.2); c.2660C>A (NM_001297.4); short protein forms T881N, T887N.
Identifiers: ClinVar variation 1913646 (VCV001913646.3), dbSNP rs778983720, ClinGen allele CA8082865.

ClinVar aggregate classification (germline): Uncertain significance. Review status: criteria provided, multiple submitters, no conflicts (2 of 4 stars). 2 submissions from 2 submitters: Uncertain significance (2). Last evaluated 2024-01-23.

Conditions:
Inborn genetic diseases. Identifiers: MedGen C0950123, MeSH D030342.

Allele frequency attached by ClinVar (database versions not stated): ExAC 0.00001; gnomAD exomes 0.00001; gnomAD 0.00003; TOPMed 0.00003.
gnomAD v4.1: 8 of 1,613,824 alleles (0.0005%); highest among the groups gnomAD compares: African/African-American, 0.0093%; no homozygotes.

Submissions (2):

Ambry Genetics
Classification: Uncertain significance for Inborn genetic diseases. Last evaluated: 2024-01-23. Review status: criteria provided, single submitter. Criteria: Ambry Variant Classification Scheme 2023. Collection method: clinical testing. Allele origin: germline.

Labcorp Genetics (formerly Invitae), Labcorp
Classification: Uncertain significance. Last evaluated: 2022-08-10. Review status: criteria provided, single submitter. Criteria: Invitae Variant Classification Sherloc (09022015). Collection method: clinical testing. Allele origin: germline.
Comment: This sequence change replaces threonine, which is neutral and polar, with asparagine, which is neutral and polar, at codon 887 of the CNGB1 protein (p.Thr887Asn). The frequency data for this variant in the population databases is considered unreliable, as metrics indicate poor data quality at this position in the gnomAD database. This variant has not been reported in the literature in individuals affected with CNGB1-related conditions. Advanced modeling of protein sequence and biophysical properties (such as structural, functional, and spatial information, amino acid conservation, physicochemical variation, residue mobility, and thermodynamic stability) performed at Invitae indicates that this missense variant is not expected to disrupt CNGB1 protein function. In summary, the available evidence is currently insufficient to determine the role of this variant in disease. Therefore, it has been classified as a Variant of Uncertain Significance.